The following is an entry in ClinVar:

NM_024685.4(BBS10):c.258T>A (p.Phe86Leu)

Gene: BBS10 (Bardet-Biedl syndrome 10; minus strand). Cytogenetic location: 12q21.2.
Variant type: single nucleotide variant.
Coding change: c.258T>A on transcript NM_024685.4 (MANE Select); coding-DNA position 258, T replaced by A.
Protein change: p.Phe86Leu; replaces phenylalanine 86 with leucine.
Molecular consequence: missense variant.
Genome position (GRCh38, 1-based): chr12:76,347,727, A>T on the plus strand (T>A on the coding strand, the complement: BBS10 is on the minus strand). VCF-style: chr12-76347727-A-T. GRCh37 (hg19) VCF-style: chr12-76741507-A-T.
Other names: short protein forms F86L.
Identifiers: ClinVar variation 3902111 (VCV003902111.3).
Genomic context (GRCh38, chr12:76,347,727, plus strand): 5'-ATCCTTTTCTCTGTCTGTGATTGCATGAAGTCCTCTAAGCAAATGGCAAAGAAAGATAAT[A>T]AATGTTTTTGCACCATCTCCTGTTTTTTTGAGATGACTGGAAACACAGTCCACTATCATC-3'
Protein context (NP_078961.3, residues 76-96): LKKTGDGAKT[Phe86Leu]IIFLCHLLRG

ClinVar aggregate classification (germline): Uncertain significance. Review status: criteria provided, multiple submitters, no conflicts (2 of 4 stars). 2 submissions from 2 submitters: Uncertain significance (2). Last evaluated 2025-05-20.

gnomAD v4.1: 1 of 1,608,906 alleles (0.000062%); highest among the groups gnomAD compares: Non-Finnish European, 0.000085%; no homozygotes.

Submissions (2):

Women's Health and Genetics/Laboratory Corporation of America, LabCorp
Classification: Uncertain significance. Last evaluated: 2025-05-20. Review status: criteria provided, single submitter. Criteria: LabCorp Variant Classification Summary - May 2015. Collection method: clinical testing. Allele origin: germline.
Comment: Variant summary: BBS10 c.258T>A (p.Phe86Leu) results in a non-conservative amino acid change in the encoded protein sequence. Algorithms developed to predict the effect of missense changes on protein structure and function are either unavailable or do not agree on the potential impact of this missense change. The frequency data for this variant in gnomAD is considered unreliable, as metrics indicate poor data quality at this position. c.258T>A has been observed in individual(s) affected with Retinal Dystrophy (Grudzinska Pechhacker_2021). These report(s) do not provide unequivocal conclusions about association of the variant with Bardet-Biedl Syndrome. To our knowledge, no experimental evidence demonstrating an impact on protein function has been reported. The following publication has been ascertained in the context of this evaluation (PMID: 34940782). No submitters have cited clinical-significance assessments for this variant to ClinVar. Based on the evidence outlined above, the variant was classified as uncertain significance.

Blueprint Genetics
Classification: Uncertain significance. Last evaluated: 2021-11-05. Review status: criteria provided, single submitter. Criteria: ACMG Guidelines, 2015. Collection method: clinical testing. Allele origin: germline.

Literature cited by the submitters: PubMed 34940782 (cited by Women's Health and Genetics/Laboratory Corporation of America, LabCorp).